The following is an entry in ClinVar:

ClinVar aggregate classification (germline): Benign/Likely benign. Review status: criteria provided, multiple submitters, no conflicts (2 of 4 stars). 6 submissions from 6 submitters: Benign (1); Likely benign (4). 1 of the submissions does not count toward it. Last evaluated 2025-10-23.

Conditions:
Hereditary cancer-predisposing syndrome. Also called: Hereditary neoplastic syndrome; Tumor predisposition; Neoplastic Syndromes, Hereditary; Hereditary Cancer Syndrome. Identifiers: Orphanet 140162, MedGen C0027672, MeSH D009386, MONDO:0015356.
Malignant tumor of breast. Also called: Malignant breast neoplasm; Cancer breast. Identifiers: MedGen C0006142, MONDO:0007254. Disease mechanism: loss of function.
Familial cancer of breast. Also called: Hereditary breast cancer; hereditary breast carcinoma; BREAST CANCER, FAMILIAL. Identifiers: Orphanet 227535, MedGen C0346153, MONDO:0016419, OMIM 114480. Disease mechanism: loss of function.

Allele frequency attached by ClinVar (database versions not stated): gnomAD exomes below 0.00001; gnomAD 0.00001.
gnomAD v4.1: 5 of 1,613,366 alleles (0.00031%); highest among the groups gnomAD compares: South Asian, 0.0011%; no homozygotes.

Submissions (6):

Labcorp Genetics (formerly Invitae), Labcorp
Classification: Likely benign for Familial cancer of breast. Last evaluated: 2025-10-23. Review status: criteria provided, single submitter. Criteria: Invitae Variant Classification Sherloc (09022015). Collection method: clinical testing. Allele origin: germline.

Myriad Genetics, Inc.
Classification: Benign for Familial cancer of breast. Last evaluated: 2025-01-09. Review status: criteria provided, single submitter. Criteria: Myriad Autosomal Dominant, Autosomal Recessive and X-Linked Classification Criteria (2023). Collection method: clinical testing. Allele origin: unknown.
Comment: This variant is considered benign. This variant is a silent/synonymous amino acid change and it is not expected to impact splicing.

CeGaT Center for Human Genetics Tuebingen
Classification: Likely benign. Last evaluated: 2024-05-01. Review status: criteria provided, single submitter. Criteria: CeGaT Center For Human Genetics Tuebingen Variant Classification Criteria Version 2. Collection method: clinical testing. Allele origin: germline. Affected: yes. Observed: 1 variant allele.
Comment: PALB2: BP4, BP7

Ambry Genetics
Classification: Likely benign for Hereditary cancer-predisposing syndrome. Last evaluated: 2017-03-21. Review status: criteria provided, single submitter. Criteria: Ambry Variant Classification Scheme 2023. Collection method: clinical testing. Allele origin: germline.

Color Diagnostics, LLC DBA Color Health
Classification: Likely benign for Hereditary cancer-predisposing syndrome. Last evaluated: 2015-11-09. Review status: criteria provided, single submitter. Criteria: ACMG Guidelines, 2015. Collection method: clinical testing. Allele origin: germline.

Department of Pathology and Laboratory Medicine, Sinai Health System
Classification: Likely benign for Malignant tumor of breast. Review status: no assertion criteria provided. Collection method: clinical testing. Allele origin: unknown. Affected: yes. Study: The Canadian Open Genetics Repository (COGR). Not counted in ClinVar's aggregate classification.
Comment: The PALB2 p.Lys7= variant was not identified in the literature nor was it identified in the dbSNP, LOVD 3.0, or Zhejiang University Database. The variant was identified in ClinVar (classified as likely benign by Ambry Genetics, Color Genomics and Invitae). The variant was identified in control databases in 1 of 243046 chromosomes at a frequency of 0.000004 (Genome Aggregation Database Feb 27, 2017). The variant was observed in the European population in 1 of 109480 chromosomes (freq: 0.000009), while the variant was not observed in the African, Other, Latino, Ashkenazi Jewish, East Asian, Finnish, or South Asian populations. The p.Lys7= variant is not expected to have clinical significance because it does not result in a change of amino acid and is not located in a known consensus splice site. In addition, in silico or computational prediction software programs (SpliceSiteFinder, MaxEntScan, NNSPLICE, GeneSplicer, HumanSpliceFinder) do not predict a difference in splicing. In summary, based on the above information the clinical significance of this variant cannot be determined with certainty at this time although we would lean towards a more benign role for this variant. This variant is classified as likely benign.

NM_024675.4(PALB2):c.21G>A (p.Lys7=)

Gene: PALB2 (partner and localizer of BRCA2; minus strand). Cytogenetic location: 16p12.2.
Variant type: single nucleotide variant.
Coding change: c.21G>A on transcript NM_024675.4 (MANE Select); coding-DNA position 21, G replaced by A.
Protein change: p.Lys7=; no amino-acid change (lysine 7 retained).
Molecular consequence: synonymous variant.
Genome position (GRCh38, 1-based): chr16:23,641,137, C>T on the plus strand (G>A on the coding strand, the complement: PALB2 is on the minus strand). VCF-style: chr16-23641137-C-T. GRCh37 (hg19) VCF-style: chr16-23652458-C-T.
Identifiers: ClinVar variation 480284 (VCV000480284.45), dbSNP rs1424944402, ClinGen allele CA494168481.